The following is an entry in ClinVar:

ClinVar aggregate classification (germline): Uncertain significance (1 of 4 stars; one submission).

Conditions:
Hereditary cancer-predisposing syndrome. Also called: Neoplastic Syndromes, Hereditary; Tumor predisposition; Hereditary neoplastic syndrome; Hereditary Cancer Syndrome. Identifiers: Orphanet 140162, MedGen C0027672, MeSH D009386, MONDO:0015356.

Submission:

Ambry Genetics
Classification: Uncertain significance for Hereditary cancer-predisposing syndrome. Last evaluated: 2025-05-12. Review status: criteria provided, single submitter. Criteria: Ambry Variant Classification Scheme 2023. Collection method: clinical testing. Allele origin: germline.
Comment: The p.V9M variant (also known as c.25G>A), located in coding exon 1 of the MAX gene, results from a G to A substitution at nucleotide position 25. The valine at codon 9 is replaced by methionine, an amino acid with highly similar properties. This amino acid position is highly conserved in available vertebrate species. In addition, the in silico prediction for this alteration is inconclusive. Based on the available evidence, the clinical significance of this variant remains unclear.

NM_002382.5(MAX):c.25G>A (p.Val9Met)

Genes: MAX (MYC associated transcriptional regulator X; minus strand), LOC130055850 (ATAC-STARR-seq lymphoblastoid silent region 5847; plus strand). Cytogenetic location: 14q23.3.
Variant type: single nucleotide variant.
Coding change: c.25G>A on transcript NM_002382.5 (MANE Select); coding-DNA position 25, G replaced by A.
Protein change: p.Val9Met; replaces valine 9 with methionine.
Molecular consequence: missense variant. On other transcripts: 5 prime UTR variant (2), intron variant (2).
Genome position (GRCh38, 1-based): chr14:65,102,315, C>T on the plus strand (G>A on the coding strand, the complement: MAX is on the minus strand). VCF-style: chr14-65102315-C-T. GRCh37 (hg19) VCF-style: chr14-65569033-C-T.
Other names: c.25G>A, p.Val9Met (NM_001271068.2, NM_001271069.2, NM_001407094.1 and 18 more transcripts); c.-250G>A (NM_001320415.2); c.-223G>A (NM_001407107.1); c.-305+194G>A (NM_001407112.1); c.-239+194G>A (NM_001407106.1); short protein forms V9M.
Identifiers: ClinVar variation 4052119 (VCV004052119.1).